The following is an entry in ClinVar:

ClinVar aggregate classification (germline): Uncertain significance. Review status: criteria provided, multiple submitters, no conflicts (2 of 4 stars). 2 submissions from 2 submitters: Uncertain significance (2). Last evaluated 2025-03-04.

Conditions:
Charcot-Marie-Tooth disease type 2. Also called: Charcot-Marie-Tooth type 2. Identifiers: Orphanet 64746, MedGen C0270914, MONDO:0018993.

Allele frequency attached by ClinVar (database versions not stated): TOPMed 0.00002.
gnomAD v4.1: 4 of 1,614,202 alleles (0.00025%); highest among the groups gnomAD compares: Admixed American, 0.0067%; no homozygotes.

Submissions (2):

Ambry Genetics
Classification: Uncertain significance. Last evaluated: 2025-03-04. Review status: criteria provided, single submitter. Criteria: Ambry Variant Classification Scheme 2023. Collection method: clinical testing. Allele origin: germline.
Comment: The p.L909F variant (also known as c.2725C>T), located in coding exon 24 of the KIF1B gene, results from a C to T substitution at nucleotide position 2725. The leucine at codon 909 is replaced by phenylalanine, an amino acid with highly similar properties. This amino acid position is well conserved in available vertebrate species. In addition, this alteration is predicted to be tolerated by in silico analysis. The evidence for this gene-disease relationship is limited; therefore, the clinical significance of this alteration is unclear.

Labcorp Genetics (formerly Invitae), Labcorp
Classification: Uncertain significance for Charcot-Marie-Tooth disease type 2. Last evaluated: 2022-05-11. Review status: criteria provided, single submitter. Criteria: Invitae Variant Classification Sherloc (09022015). Collection method: clinical testing. Allele origin: germline.
Comment: This variant is present in population databases (no rsID available, gnomAD 0.003%). In summary, the available evidence is currently insufficient to determine the role of this variant in disease. Therefore, it has been classified as a Variant of Uncertain Significance. Algorithms developed to predict the effect of missense changes on protein structure and function are either unavailable or do not agree on the potential impact of this missense change (SIFT: "Deleterious"; PolyPhen-2: "Benign"; Align-GVGD: "Class C0"). This variant has not been reported in the literature in individuals affected with KIF1B-related conditions. This sequence change replaces leucine, which is neutral and non-polar, with phenylalanine, which is neutral and non-polar, at codon 909 of the KIF1B protein (p.Leu909Phe).

NM_001365951.3(KIF1B):c.2863C>T (p.Leu955Phe)

Genes: KIF1B (kinesin family member 1B; plus strand), LOC126805614 (BRD4-independent group 4 enhancer GRCh37_chr1:10385546-10386745; plus strand). Cytogenetic location: 1p36.22.
Variant type: single nucleotide variant.
Coding change: c.2863C>T on transcript NM_001365951.3 (MANE Select); coding-DNA position 2863, C replaced by T.
Protein change: p.Leu955Phe; replaces leucine 955 with phenylalanine.
Molecular consequence: missense variant.
Genome position (GRCh38, 1-based): chr1:10,326,298, C>T. VCF-style: chr1-10326298-C-T. GRCh37 (hg19) VCF-style: chr1-10386356-C-T.
Other names: c.2863C>T, p.Leu955Phe (NM_001365952.1); c.2725C>T, p.Leu909Phe (NM_015074.3); short protein forms L909F, L955F.
Identifiers: ClinVar variation 1795234 (VCV001795234.10), dbSNP rs1162993365, ClinGen allele CA338337397.
Genomic context (GRCh38, chr1:10,326,298, plus strand): 5'-GATGATGAGGCATTCGTGGATGACGCCGGCTCTGACGCAGGGACGGAGGAGGGATCAGAT[C>T]TCTTCAGTGACGGGCATGACCCGTTTTACGACCGATCCCCTTGGTTCATTTTAGTGGGAA-3'
Protein context (NP_001352880.1, residues 945-965): SDAGTEEGSD[Leu955Phe]FSDGHDPFYD